The following is an entry in ClinVar:

ClinVar aggregate classification (germline): Uncertain significance (1 of 4 stars; one submission).

Submission:

GeneDx
Classification: Uncertain significance. Last evaluated: 2026-03-11. Review status: criteria provided, single submitter. Criteria: GeneDx Variant Classification Process June 2021. Collection method: clinical testing. Allele origin: germline.
Comment: Not observed at significant frequency in large population cohorts (gnomAD); In silico analysis supports that this missense variant has a deleterious effect on protein structure/function; Has not been previously published as pathogenic or benign to our knowledge

NM_002474.3(MYH11):c.4049A>G (p.Asp1350Gly)

Genes: MYH11 (myosin heavy chain 11; minus strand), NDE1 (nudE neurodevelopment protein 1; plus strand). Cytogenetic location: 16p13.11.
Variant type: single nucleotide variant.
Coding change: c.4049A>G on transcript NM_002474.3 (MANE Select); coding-DNA position 4049, A replaced by G.
Protein change: p.Asp1350Gly; replaces aspartic acid 1350 with glycine.
Molecular consequence: missense variant. On other transcripts: 3 prime UTR variant (2).
Genome position (GRCh38, 1-based): chr16:15,724,714, T>C on the plus strand (A>G on the coding strand, the complement: MYH11 is on the minus strand). VCF-style: chr16-15724714-T-C. GRCh37 (hg19) VCF-style: chr16-15818571-T-C.
Other names: c.4070A>G, p.Asp1357Gly (NM_001040113.2, NM_001040114.2); c.4049A>G, p.Asp1350Gly (NM_022844.3); c.*463T>C (NM_001143979.2, NM_017668.3); short protein forms D1350G, D1357G.
Identifiers: ClinVar variation 4891476 (VCV004891476.1).